The following is an entry in ClinVar:

ClinVar aggregate classification (germline): Likely benign. Review status: criteria provided, multiple submitters, no conflicts (2 of 4 stars). 2 submissions from 2 submitters: Likely benign (2). Last evaluated 2025-04-26.

Conditions:
Nephronophthisis 15 (NPHP15). Identifiers: Orphanet 3156, MedGen C3541853, MONDO:0013917, OMIM 614845.
CEP164-related disorder. Also called: CEP164-related condition.

Allele frequency attached by ClinVar (database versions not stated): TOPMed below 0.00001; gnomAD 0.00001; gnomAD exomes 0.00005.
gnomAD v4.1: 68 of 1,614,096 alleles (0.0042%); highest among the groups gnomAD compares: Non-Finnish European, 0.0055%; no homozygotes.

Submissions (2):

PreventionGenetics, part of Exact Sciences
Classification: Likely benign for CEP164-related condition. Last evaluated: 2025-04-26. Review status: criteria provided, single submitter. Criteria: ACMG Guidelines, 2015. Collection method: clinical testing. Allele origin: germline.
Comment: This variant is classified as likely benign based on ACMG/AMP sequence variant interpretation guidelines (Richards et al. 2015 PMID: 25741868, with internal and published modifications).

Labcorp Genetics (formerly Invitae), Labcorp
Classification: Likely benign for Nephronophthisis 15. Last evaluated: 2024-12-12. Review status: criteria provided, single submitter. Criteria: Invitae Variant Classification Sherloc (09022015). Collection method: clinical testing. Allele origin: germline.

NM_014956.5(CEP164):c.3396A>G (p.Lys1132=)

Gene: CEP164 (centrosomal protein 164; plus strand). Cytogenetic location: 11q23.3.
Variant type: single nucleotide variant.
Coding change: c.3396A>G on transcript NM_014956.5 (MANE Select); coding-DNA position 3396, A replaced by G.
Protein change: p.Lys1132=; no amino-acid change (lysine 1132 retained).
Molecular consequence: synonymous variant.
Genome position (GRCh38, 1-based): chr11:117,397,208, A>G. VCF-style: chr11-117397208-A-G. GRCh37 (hg19) VCF-style: chr11-117267924-A-G.
Other names: c.3405A>G, p.Lys1135= (NM_001271933.2); c.3396A>G (NM_014956.4).
Identifiers: ClinVar variation 2192271 (VCV002192271.5), dbSNP rs1398754973, ClinGen allele CA476898496.